The following is an entry in ClinVar:

ClinVar aggregate classification (germline): Uncertain significance. Review status: criteria provided, multiple submitters, no conflicts (2 of 4 stars). 2 submissions from 2 submitters: Uncertain significance (2). Last evaluated 2021-09-24.

Conditions:
Primary ciliary dyskinesia. Also called: Ciliary dyskinesia. Identifiers: Orphanet 244, MedGen C0008780, MONDO:0016575, HP:0012265.

Allele frequency attached by ClinVar (database versions not stated): ExAC 0.00001; gnomAD exomes 0.00001.
gnomAD v4.1: 14 of 1,613,954 alleles (0.00087%); highest among the groups gnomAD compares: Middle Eastern, 0.017%; no homozygotes.

Submissions (2):

Labcorp Genetics (formerly Invitae), Labcorp
Classification: Uncertain significance for Primary ciliary dyskinesia. Last evaluated: 2021-09-24. Review status: criteria provided, single submitter. Criteria: Invitae Variant Classification Sherloc (09022015). Collection method: clinical testing. Allele origin: germline.
Comment: This sequence change replaces asparagine with serine at codon 1601 of the DNAH5 protein (p.Asn1601Ser). The asparagine residue is highly conserved and there is a small physicochemical difference between asparagine and serine. This variant is present in population databases (rs753256860, ExAC 0.001%). This variant has not been reported in the literature in individuals affected with DNAH5-related conditions. Advanced modeling of protein sequence and biophysical properties (such as structural, functional, and spatial information, amino acid conservation, physicochemical variation, residue mobility, and thermodynamic stability) performed at Invitae indicates that this missense variant is not expected to disrupt DNAH5 protein function. Algorithms developed to predict the effect of sequence changes on RNA splicing suggest that this variant may create or strengthen a splice site. In summary, the available evidence is currently insufficient to determine the role of this variant in disease. Therefore, it has been classified as a Variant of Uncertain Significance.

Breakthrough Genomics
Classification: Uncertain significance. Review status: criteria provided, single submitter. Criteria: ACMG Guidelines, 2015. Collection method: not provided. Allele origin: germline. Inheritance: Autosomal recessive inheritance. Affected: yes.

NM_001369.3(DNAH5):c.4802A>G (p.Asn1601Ser)

Genes: DNAH5 (dynein axonemal heavy chain 5; minus strand), LOC126807318 (MED14-independent group 3 enhancer GRCh37_chr5:13858976-13860175; plus strand). Cytogenetic location: 5p15.2.
Variant type: single nucleotide variant.
Coding change: c.4802A>G on transcript NM_001369.3 (MANE Select); coding-DNA position 4802, A replaced by G.
Protein change: p.Asn1601Ser; replaces asparagine 1601 with serine.
Molecular consequence: missense variant.
Genome position (GRCh38, 1-based): chr5:13,859,600, T>C on the plus strand (A>G on the coding strand, the complement: DNAH5 is on the minus strand). VCF-style: chr5-13859600-T-C. GRCh37 (hg19) VCF-style: chr5-13859709-T-C.
Other names: short protein forms N1601S.
Identifiers: ClinVar variation 2182632 (VCV002182632.2), dbSNP rs753256860, ClinGen allele CA3203871.
Genomic context (GRCh38, chr5:13,859,600, plus strand): 5'-ATGTCTGTTGAGTTGGAAAGGTACTGCACCCATTTTTGAATCTGGGCTTTGAATGGCATA[T>C]TGTACCTAAAATAAGAAATAGGTTTAGGGTTTGGTTTTGTTTTTGTTGTGCTGTTGTTTC-3'
Protein context (NP_001360.1, residues 1591-1611): LLGSLLSNRY[Asn1601Ser]MPFKAQIQKW